The following is an entry in ClinVar:

ClinVar aggregate classification (germline): Pathogenic. Review status: criteria provided, multiple submitters, no conflicts (2 of 4 stars). 2 submissions from 2 submitters: Pathogenic (2). Last evaluated 2023-02-05.

Conditions:
Retinitis pigmentosa 39 (RP39). Identifiers: Orphanet 791, MedGen C3151138, MONDO:0013436, OMIM 613809.

Allele frequency attached by ClinVar (database versions not stated): gnomAD exomes below 0.00001.
gnomAD v4.1: 1 of 1,613,754 alleles (0.000062%); highest among the groups gnomAD compares: Non-Finnish European, 0.000085%; no homozygotes.

Submissions (2):

Baylor Genetics
Classification: Pathogenic for Retinitis pigmentosa 39. Last evaluated: 2023-02-05. Review status: criteria provided, single submitter. Criteria: ACMG Guidelines, 2015. Collection method: clinical testing. Allele origin: unknown.

Labcorp Genetics (formerly Invitae), Labcorp
Classification: Pathogenic. Last evaluated: 2022-11-15. Review status: criteria provided, single submitter. Criteria: Invitae Variant Classification Sherloc (09022015). Collection method: clinical testing. Allele origin: germline.
Comment: For these reasons, this variant has been classified as Pathogenic. ClinVar contains an entry for this variant (Variation ID: 934528). This premature translational stop signal has been observed in individual(s) with USH2A-related conditions (PMID: 25558175). This variant is not present in population databases (gnomAD no frequency). This sequence change creates a premature translational stop signal (p.Trp2876*) in the USH2A gene. It is expected to result in an absent or disrupted protein product. Loss-of-function variants in USH2A are known to be pathogenic (PMID: 10729113, 10909849, 20507924, 25649381).

Literature cited by the submitters: PubMed 25558175 (cited by Labcorp Genetics (formerly Invitae), Labcorp); PubMed 10729113 (cited by Labcorp Genetics (formerly Invitae), Labcorp); PubMed 10909849 (cited by Labcorp Genetics (formerly Invitae), Labcorp); PubMed 20507924 (cited by Labcorp Genetics (formerly Invitae), Labcorp); PubMed 25649381 (cited by Labcorp Genetics (formerly Invitae), Labcorp).

NM_206933.4(USH2A):c.8628G>A (p.Trp2876Ter)

Gene: USH2A (usherin; minus strand). Cytogenetic location: 1q41.
Variant type: single nucleotide variant.
Coding change: c.8628G>A on transcript NM_206933.4 (MANE Select); coding-DNA position 8628, G replaced by A.
Protein change: p.Trp2876Ter; replaces tryptophan 2876 with a stop codon.
Molecular consequence: nonsense.
Genome position (GRCh38, 1-based): chr1:215,877,811, C>T on the plus strand (G>A on the coding strand, the complement: USH2A is on the minus strand). VCF-style: chr1-215877811-C-T. GRCh37 (hg19) VCF-style: chr1-216051153-C-T.
Other names: short protein forms W2876*.
Identifiers: ClinVar variation 934528 (VCV000934528.8), dbSNP rs1180119632, ClinGen allele CA344829305.